The following is an entry in ClinVar:

NM_001376.5(DYNC1H1):c.3748G>T (p.Val1250Leu)

Gene: DYNC1H1 (dynein cytoplasmic 1 heavy chain 1; plus strand). Cytogenetic location: 14q32.31.
Variant type: single nucleotide variant.
Coding change: c.3748G>T on transcript NM_001376.5 (MANE Select); coding-DNA position 3748, G replaced by T.
Protein change: p.Val1250Leu; replaces valine 1250 with leucine.
Molecular consequence: missense variant.
Genome position (GRCh38, 1-based): chr14:101,997,218, G>T. VCF-style: chr14-101997218-G-T. GRCh37 (hg19) VCF-style: chr14-102463555-G-T.
Other names: c.3748G>T (NM_001376.4); short protein forms V1250L.
Identifiers: ClinVar variation 1384384 (VCV001384384.8), dbSNP rs369914512, ClinGen allele CA7352069.

ClinVar aggregate classification (germline): Uncertain significance. Review status: criteria provided, multiple submitters, no conflicts (2 of 4 stars). 3 submissions from 3 submitters: Uncertain significance (3). Last evaluated 2025-11-17.

Conditions:
Charcot-Marie-Tooth disease axonal type 2O. Also called: Charcot-Marie-Tooth disease, axonal, type 20; Charcot-Marie-Tooth Neuropathy Type 2O; CHARCOT-MARIE-TOOTH NEUROPATHY, AXONAL, TYPE 2O; CHARCOT-MARIE-TOOTH DISEASE, AXONAL, AUTOSOMAL DOMINANT, TYPE 2O. Identifiers: Orphanet 284232, MedGen C3280220, MONDO:0013644, OMIM 614228.
DYNC1H1-related disorder. Also called: DYNC1H1-related condition; DYNC1H1-related disorders. Identifiers: MedGen CN381529.

gnomAD v4.1: 13 of 1,613,934 alleles (0.00081%); highest among the groups gnomAD compares: Non-Finnish European, 0.0011%; no homozygotes.

Submissions (3):

Labcorp Genetics (formerly Invitae), Labcorp
Classification: Uncertain significance for Charcot-Marie-Tooth disease axonal type 2O. Last evaluated: 2025-11-17. Review status: criteria provided, single submitter. Criteria: Invitae Variant Classification Sherloc (09022015). Collection method: clinical testing. Allele origin: germline.
Comment: This sequence change replaces valine, which is neutral and non-polar, with leucine, which is neutral and non-polar, at codon 1250 of the DYNC1H1 protein (p.Val1250Leu). This variant is present in population databases (rs369914512, gnomAD 0.0009%). This variant has not been reported in the literature in individuals affected with DYNC1H1-related conditions. ClinVar contains an entry for this variant (Variation ID: 1384384). Invitae Evidence Modeling of protein sequence and biophysical properties (such as structural, functional, and spatial information, amino acid conservation, physicochemical variation, residue mobility, and thermodynamic stability) has been performed for this missense variant. However, the output from this modeling did not meet the statistical confidence thresholds required to predict the impact of this variant on DYNC1H1 protein function. In summary, the available evidence is currently insufficient to determine the role of this variant in disease. Therefore, it has been classified as a Variant of Uncertain Significance.

PreventionGenetics, part of Exact Sciences
Classification: Uncertain significance for DYNC1H1-related condition. Last evaluated: 2025-08-29. Review status: criteria provided, single submitter. Criteria: ACMG Guidelines, 2015. Collection method: clinical testing. Allele origin: germline.
Comment: The DYNC1H1 c.3748G>T variant is predicted to result in the amino acid substitution p.Val1250Leu. To our knowledge, this variant has not been reported in the literature. A different missense variant affecting the same amino acid was reported in an individual with ALS (c.3748G > A; p.Val1250Met); however no additional evidence was provided to support pathogenicity (Scarlino et al. 2020. PubMed ID: 32397312). This variant is reported in 0.00088% of alleles in individuals of European (Non-Finnish) descent in gnomAD. At this time, the clinical significance of this variant is uncertain due to the absence of conclusive functional and genetic evidence.

Blueprint Genetics
Classification: Uncertain significance. Last evaluated: 2021-08-13. Review status: criteria provided, single submitter. Criteria: ACMG Guidelines, 2015. Collection method: clinical testing. Allele origin: germline.